The following is an entry in ClinVar:

ClinVar aggregate classification (germline): Uncertain significance (1 of 4 stars; one submission).

gnomAD v4.1: 1 of 1,607,000 alleles (0.000062%); highest among the groups gnomAD compares: Non-Finnish European, 0.000085%; no homozygotes.

Submission:

Labcorp Genetics (formerly Invitae), Labcorp
Classification: Uncertain significance. Last evaluated: 2025-01-13. Review status: criteria provided, single submitter. Criteria: Invitae Variant Classification Sherloc (09022015). Collection method: clinical testing. Allele origin: germline.
Comment: This sequence change replaces proline, which is neutral and non-polar, with arginine, which is basic and polar, at codon 242 of the SMARCD2 protein (p.Pro242Arg). This variant is present in population databases (no rsID available, gnomAD 0.0009%). This variant has not been reported in the literature in individuals affected with SMARCD2-related conditions. An algorithm developed to predict the effect of missense changes on protein structure and function (PolyPhen-2) suggests that this variant is likely to be disruptive. Algorithms developed to predict the effect of sequence changes on RNA splicing suggest that this variant may create or strengthen a splice site. In summary, the available evidence is currently insufficient to determine the role of this variant in disease. Therefore, it has been classified as a Variant of Uncertain Significance.

NM_001098426.2(SMARCD2):c.725C>G (p.Pro242Arg)

Gene: SMARCD2 (SWI/SNF related BAF chromatin remodeling complex subunit D2; minus strand). Cytogenetic location: 17q23.3.
Variant type: single nucleotide variant.
Coding change: c.725C>G on transcript NM_001098426.2 (MANE Select); coding-DNA position 725, C replaced by G.
Protein change: p.Pro242Arg; replaces proline 242 with arginine.
Molecular consequence: missense variant.
Genome position (GRCh38, 1-based): chr17:63,834,799, G>C on the plus strand (C>G on the coding strand, the complement: SMARCD2 is on the minus strand). VCF-style: chr17-63834799-G-C. GRCh37 (hg19) VCF-style: chr17-61912159-G-C.
Other names: c.500C>G, p.Pro167Arg (NM_001330439.1); c.581C>G, p.Pro194Arg (NM_001330440.2); short protein forms P194R, P167R, P242R.
Identifiers: ClinVar variation 3674371 (VCV003674371.2).
Genomic context (GRCh38, chr17:63,834,799, plus strand): 5'-TTGTCCAGCTCAATGACGAGGCTCTTAAAGAATGAAGAAAACTTCCTCTTCTGTTTGCTA[G>C]GCTGGGGATGGAAAGGGGTGTGAGATGGTGCTGCTGAGCTCTCAAATCTCAAGCTATGCT-3'
Protein context (NP_001091896.1, residues 232-252): LRVEGKLLDD[Pro242Arg]SKQKRKFSSF